The following is an entry in ClinVar:

ClinVar aggregate classification (germline): Uncertain significance. Review status: criteria provided, multiple submitters, no conflicts (2 of 4 stars). 2 submissions from 2 submitters: Uncertain significance (2). Last evaluated 2024-08-05.

Conditions:
Pseudo-Hurler polydystrophy. Also called: MUCOLIPIDOSIS IIIA; ML III; ML III ALPHA/BETA; Type III Mucolipidosis; ML IIIA; Mucolipidosis III Alpha/Beta. Identifiers: Orphanet 423461, Orphanet 577, MedGen C0033788, MONDO:0018931, OMIM 252600.
Mucolipidosis type II. Also called: Mucolipidosis II Alpha/Beta; ML II ALPHA/BETA; Mucolipidosis 2; ML 2; Inclusion cell disease; Leroy Disease. Identifiers: Orphanet 576, MedGen C2673377, MONDO:0009650, OMIM 252500.
Inborn genetic diseases. Identifiers: MedGen C0950123, MeSH D030342.

Allele frequency attached by ClinVar (database versions not stated): TOPMed 0.00005; gnomAD exomes 0.00006; gnomAD 0.00005; ESP Exome Variant Server 0.00008; ExAC 0.00002.

Submissions (2):

Ambry Genetics
Classification: Uncertain significance for Inborn genetic diseases. Last evaluated: 2024-08-05. Review status: criteria provided, single submitter. Criteria: Ambry Variant Classification Scheme 2023. Collection method: clinical testing. Allele origin: germline.

Labcorp Genetics (formerly Invitae), Labcorp
Classification: Uncertain significance for Pseudo-Hurler polydystrophy; Mucolipidosis type II. Last evaluated: 2022-06-30. Review status: criteria provided, single submitter. Criteria: Invitae Variant Classification Sherloc (09022015). Collection method: clinical testing. Allele origin: germline.
Comment: This sequence change replaces lysine, which is basic and polar, with glutamic acid, which is acidic and polar, at codon 896 of the GNPTAB protein (p.Lys896Glu). This variant is present in population databases (rs200432279, gnomAD 0.005%). This variant has not been reported in the literature in individuals affected with GNPTAB-related conditions. Advanced modeling of protein sequence and biophysical properties (such as structural, functional, and spatial information, amino acid conservation, physicochemical variation, residue mobility, and thermodynamic stability) performed at Invitae indicates that this missense variant is not expected to disrupt GNPTAB protein function. In summary, the available evidence is currently insufficient to determine the role of this variant in disease. Therefore, it has been classified as a Variant of Uncertain Significance.

NM_024312.5(GNPTAB):c.2686A>G (p.Lys896Glu)

Gene: GNPTAB (N-acetylglucosamine-1-phosphate transferase subunits alpha and beta; minus strand). Cytogenetic location: 12q23.2.
Variant type: single nucleotide variant.
Coding change: c.2686A>G on transcript NM_024312.5 (MANE Select); coding-DNA position 2686, A replaced by G.
Protein change: p.Lys896Glu; replaces lysine 896 with glutamic acid.
Molecular consequence: missense variant.
Genome position (GRCh38, 1-based): chr12:101,764,231, T>C on the plus strand (A>G on the coding strand, the complement: GNPTAB is on the minus strand). VCF-style: chr12-101764231-T-C. GRCh37 (hg19) VCF-style: chr12-102158009-T-C.
Other names: c.2686A>G (NM_024312.4); short protein forms K896E.
Identifiers: ClinVar variation 2052597 (VCV002052597.2), dbSNP rs200432279, ClinGen allele CA6746390.
Genomic context (GRCh38, chr12:101,764,231, plus strand): 5'-ATGAGAAAGAATGAGGCTGGATGTTACTTACGTCGAGAAGATCTTGGAAATACTTTTTTT[T>C]CTCCCATGGCAAAAAGCCCAAGTAACTATCTGTGTAATGCTGCAGCTTTCTTCCAAGTAA-3'
Protein context (NP_077288.2, residues 886-906): DSYLGFLPWE[Lys896Glu]KKYFQDLLDE